The following is an entry in ClinVar:

ClinVar aggregate classification (germline): Uncertain significance (1 of 4 stars; one submission).

Conditions:
Inborn genetic diseases. Identifiers: MedGen C0950123, MeSH D030342.

gnomAD v4.1: 1 of 1,613,892 alleles (0.000062%); highest among the groups gnomAD compares: Non-Finnish European, 0.000085%; no homozygotes.

Submission:

Ambry Genetics
Classification: Uncertain significance for Inborn genetic diseases. Last evaluated: 2025-06-09. Review status: criteria provided, single submitter. Criteria: Ambry Variant Classification Scheme 2023. Collection method: clinical testing. Allele origin: germline.
Comment: The p.S26G variant (also known as c.76A>G), located in coding exon 2 of the ETV6 gene, results from an A to G substitution at nucleotide position 76. The serine at codon 26 is replaced by glycine, an amino acid with similar properties. This amino acid position is conserved. In addition, this alteration is predicted to be tolerated by in silico analysis. Based on the available evidence, the clinical significance of this variant remains unclear.

NM_001987.5(ETV6):c.76A>G (p.Ser26Gly)

Gene: ETV6 (ETS variant transcription factor 6; plus strand). Cytogenetic location: 12p13.2.
Variant type: single nucleotide variant.
Coding change: c.76A>G on transcript NM_001987.5 (MANE Select); coding-DNA position 76, A replaced by G.
Protein change: p.Ser26Gly; replaces serine 26 with glycine.
Molecular consequence: missense variant. On other transcripts: intron variant (1).
Genome position (GRCh38, 1-based): chr12:11,752,492, A>G. VCF-style: chr12-11752492-A-G. GRCh37 (hg19) VCF-style: chr12-11905426-A-G.
Other names: c.73A>G, p.Ser25Gly (NM_001413913.1); c.49A>G, p.Ser17Gly (NM_001413914.1); c.76A>G, p.Ser26Gly (NM_001413916.1, NM_001413917.1, NM_001413918.1); c.-101-86648A>G (NM_001413915.1); short protein forms S26G, S17G, S25G.
Identifiers: ClinVar variation 4020129 (VCV004020129.1).